The following is an entry in ClinVar:

NM_012338.4(TSPAN12):c.542G>T (p.Cys181Phe)

Gene: TSPAN12 (tetraspanin 12; minus strand). Cytogenetic location: 7q31.31.
Variant type: single nucleotide variant.
Coding change: c.542G>T on transcript NM_012338.4 (MANE Select); coding-DNA position 542, G replaced by T.
Protein change: p.Cys181Phe; replaces cysteine 181 with phenylalanine.
Molecular consequence: missense variant.
Genome position (GRCh38, 1-based): chr7:120,806,619, C>A on the plus strand (G>T on the coding strand, the complement: TSPAN12 is on the minus strand). VCF-style: chr7-120806619-C-A. GRCh37 (hg19) VCF-style: chr7-120446673-C-A.
Other names: short protein forms C181F.
Identifiers: ClinVar variation 236067 (VCV000236067.5), dbSNP rs878853243, ClinGen allele CA10581517.
Genomic context (GRCh38, chr7:120,806,619, plus strand): 5'-AGGTCACTGAGATCTTCCTGGTGGGCCTGTTTGGAACATCCTGGGAATTCTCTAACACAG[C>A]AGGAATCTGGGGGCCAGTCCATCTCTGTCATTTCCAACCAGTCAGTGAAATATACTACTC-3'
Protein context (NP_036470.1, residues 171-191): MTEMDWPPDS[Cys181Phe]CVREFPGCSK

ClinVar aggregate classification (germline): Pathogenic. Review status: criteria provided, multiple submitters, no conflicts (2 of 4 stars). 7 submissions from 5 submitters: Pathogenic (6). 1 of the submissions does not count toward it. Last evaluated 2023-05-16.

Conditions:
TSPAN12-related disorder. Also called: TSPAN12-related condition.
Familial exudative vitreoretinopathy. Identifiers: Orphanet 891, MedGen C0339539, MeSH D000080345, MONDO:0019516.
Persistent hyperplastic primary vitreous, autosomal recessive (PHPVAR). Also called: Retinal nonattachment, nonsyndromic congenital; PERSISTENT FETAL VASCULATURE; Retinal nonattachment and falciform detachment. Identifiers: Orphanet 91495, MedGen C1969783, MONDO:0009097, OMIM 221900.
Atrophia bulborum hereditaria (ND). Also called: Norrie Disease (Classic Norrie Disease Ocular Phenotype with or without Extraocular Findings; Pseudoglioma; Norrie syndrome; Norrie-Warburg syndrome; Anderson-Warburg syndrome; Fetal iritis syndrome. Identifiers: Orphanet 649, MedGen C0266526, MONDO:0010691, OMIM 310600, HP:6000262.
Exudative vitreoretinopathy 5 (EVR5). Identifiers: Orphanet 891, MedGen C2750079, MONDO:0013218, OMIM 613310.

Submissions (7):

GeneDx
Classification: Pathogenic. Last evaluated: 2023-05-16. Review status: criteria provided, single submitter. Criteria: GeneDx Variant Classification Process June 2021. Collection method: clinical testing. Allele origin: germline. Affected: yes.
Comment: Not observed at significant frequency in large population cohorts (gnomAD); In silico analysis supports that this missense variant has a deleterious effect on protein structure/function; This variant is associated with the following publications: (PMID: 25250762, 26306921, 30452590, 31456290)

Blueprint Genetics
Classification: Pathogenic for TSPAN12-related disorders. Last evaluated: 2022-12-16. Review status: criteria provided, single submitter. Criteria: ACMG Guidelines, 2015. Collection method: clinical testing. Allele origin: germline. Affected: yes. Observed: 2 variant alleles.

Erez Levanon lab, Bar Ilan University
Classification: Pathogenic for Atrophia bulborum hereditaria. Last evaluated: 2016-05-01. Review status: criteria provided, single submitter. Criteria: Gal et al. (Am J Med Genet A. 2014). Collection method: research. Allele origin: germline. Affected: yes. Observed: 1 variant allele.

Erez Levanon lab, Bar Ilan University
Classification: Pathogenic for Exudative vitreoretinopathy 5. Last evaluated: 2016-05-01. Review status: criteria provided, single submitter. Criteria: Gal et al. (Am J Med Genet A. 2014). Collection method: research. Allele origin: germline. Affected: yes. Observed: 9 variant alleles.

Erez Levanon lab, Bar Ilan University
Classification: Pathogenic for Persistent hyperplastic primary vitreous, autosomal recessive. Last evaluated: 2016-05-01. Review status: criteria provided, single submitter. Criteria: Gal et al. (Am J Med Genet A. 2014). Collection method: research. Allele origin: germline. Affected: yes. Observed: 1 variant allele.

Institute for Medical Genetics and Human Genetics, Charité - Universitätsmedizin Berlin
Classification: Pathogenic for Exudative vitreoretinopathy 5. Review status: criteria provided, single submitter. Criteria: ACMG Guidelines, 2015. Collection method: not provided. Allele origin: germline. Inheritance: Autosomal recessive inheritance. Affected: yes.

Sharon lab, Hadassah-Hebrew University Medical Center
Classification: Likely pathogenic for Familial exudative vitreoretinopathy. Last evaluated: 2019-06-23. Review status: no assertion criteria provided. Collection method: research. Allele origin: inherited. Affected: yes. Not counted in ClinVar's aggregate classification.